The following is an entry in ClinVar:

ClinVar aggregate classification (germline): Conflicting classifications of pathogenicity. Review status: criteria provided, conflicting classifications (1 of 4 stars). 4 submissions from 4 submitters: Pathogenic (1); Likely pathogenic (1); Uncertain significance (2). Last evaluated 2026-04-08.

Conditions:
CYP7B1-related disorder. Also called: CYP7B1-related condition.
Hereditary spastic paraplegia 5A (SPG5A). Also called: SPASTIC PARAPLEGIA 5A, AUTOSOMAL RECESSIVE. Identifiers: Orphanet 100986, MedGen C1849115, MONDO:0010047, OMIM 270800.
Congenital bile acid synthesis defect 3. Identifiers: Orphanet 79302, MedGen C3151147, MONDO:0013439, OMIM 613812.
Spastic paraplegia. Identifiers: MedGen C0037772, HP:0001258.

Allele frequency attached by ClinVar (database versions not stated): gnomAD exomes below 0.00001; ExAC 0.00001.
gnomAD v4.1: 4 of 1,614,084 alleles (0.00025%); highest among the groups gnomAD compares: Non-Finnish European, 0.00034%; no homozygotes.

Submissions (4):

PreventionGenetics, part of Exact Sciences
Classification: Uncertain significance for CYP7B1-related condition. Last evaluated: 2026-04-08. Review status: criteria provided, single submitter. Criteria: ACMG Guidelines, 2015. Collection method: clinical testing. Allele origin: germline.
Comment: The CYP7B1 c.1346G>A variant is predicted to result in the amino acid substitution p.Cys449Tyr. To our knowledge, this variant has not been reported in the literature. This variant is reported in 0.00088% of alleles in individuals of European (Non-Finnish) descent in gnomAD. At this time, the clinical significance of this variant is uncertain due to the absence of conclusive functional and genetic evidence.

Women's Health and Genetics/Laboratory Corporation of America, LabCorp
Classification: Uncertain significance. Last evaluated: 2025-06-25. Review status: criteria provided, single submitter. Criteria: LabCorp Variant Classification Summary - May 2015. Collection method: clinical testing. Allele origin: germline.
Comment: Variant summary: CYP7B1 c.1346G>A (p.Cys449Tyr) results in a non-conservative amino acid change located in the Cytochrome P450, E-class, group IV domain (IPR002403) of the encoded protein sequence. Algorithms developed to predict the effect of missense changes on protein structure and function all suggest that this variant is likely to be disruptive. The variant allele was found at a frequency of 4e-06 in 251388 control chromosomes. c.1346G>A has been observed in at-least three individuals affected with features of Hereditary Spastic Paraplegia (internal data). These data indicate that the variant may be associated with disease. To our knowledge, no experimental evidence demonstrating an impact on protein function has been reported. ClinVar contains an entry for this variant (Variation ID: 942744). Based on the evidence outlined above, the variant was classified as VUS-possibly pathogenic.

Labcorp Genetics (formerly Invitae), Labcorp
Classification: Pathogenic for Spastic paraplegia. Last evaluated: 2024-12-08. Review status: criteria provided, single submitter. Criteria: Invitae Variant Classification Sherloc (09022015). Collection method: clinical testing. Allele origin: germline.
Comment: This sequence change replaces cysteine, which is neutral and slightly polar, with tyrosine, which is neutral and polar, at codon 449 of the CYP7B1 protein (p.Cys449Tyr). This variant is present in population databases (rs761060634, gnomAD 0.0009%). This missense change has been observed in individual(s) with clinical features of hereditary spastic paraplegia (internal data). In at least one individual the data is consistent with being in trans (on the opposite chromosome) from a pathogenic variant. It has also been observed to segregate with disease in related individuals. ClinVar contains an entry for this variant (Variation ID: 942744). Invitae Evidence Modeling of protein sequence and biophysical properties (such as structural, functional, and spatial information, amino acid conservation, physicochemical variation, residue mobility, and thermodynamic stability) indicates that this missense variant is expected to disrupt CYP7B1 protein function with a positive predictive value of 95%. For these reasons, this variant has been classified as Pathogenic.

Fulgent Genetics
Classification: Likely pathogenic for Hereditary spastic paraplegia 5A; Congenital bile acid synthesis defect 3. Last evaluated: 2024-04-25. Review status: criteria provided, single submitter. Criteria: ACMG Guidelines, 2015. Collection method: clinical testing. Allele origin: germline.

NM_004820.5(CYP7B1):c.1346G>A (p.Cys449Tyr)

Gene: CYP7B1 (cytochrome P450 family 7 subfamily B member 1; minus strand). Cytogenetic location: 8q12.3.
Variant type: single nucleotide variant.
Coding change: c.1346G>A on transcript NM_004820.5 (MANE Select); coding-DNA position 1346, G replaced by A.
Protein change: p.Cys449Tyr; replaces cysteine 449 with tyrosine.
Molecular consequence: missense variant. On other transcripts: intron variant (1).
Genome position (GRCh38, 1-based): chr8:64,596,817, C>T on the plus strand (G>A on the coding strand, the complement: CYP7B1 is on the minus strand). VCF-style: chr8-64596817-C-T. GRCh37 (hg19) VCF-style: chr8-65509374-C-T.
Other names: c.1234-6973G>A (NM_001324112.2); c.1346G>A (NM_004820.4); short protein forms C449Y.
Identifiers: ClinVar variation 942744 (VCV000942744.15), dbSNP rs761060634, ClinGen allele CA4763994.